The following is an entry in ClinVar:

NC_000016.10:g.(?_2081589)_(2088616_?)del

Gene: TSC2 (TSC complex subunit 2; plus strand). Cytogenetic location: 16p13.3.
Variant type: Deletion.
Identifiers: ClinVar variation 583756 (VCV000583756.1).

ClinVar aggregate classification (germline): Pathogenic (1 of 4 stars; one submission).

Conditions:
Tuberous sclerosis 2 (TSC2). Identifiers: Orphanet 805, MedGen C1860707, MONDO:0013199, OMIM 613254.

Submission:

Labcorp Genetics (formerly Invitae), Labcorp
Classification: Pathogenic for Tuberous sclerosis 2. Last evaluated: 2018-02-21. Review status: criteria provided, single submitter. Criteria: Invitae Variant Classification Sherloc (09022015). Collection method: clinical testing. Allele origin: germline.
Comment: This variant is a gross deletion of the genomic region encompassing exons 31-42 of the TSC2 gene. The 5' boundary is likely confined to intron 30. The 3' end of this event is unknown as it extends through the termination codon beyond the assayed region for this gene and may encompass additional genes. While this deletion is not anticipated to result in nonsense mediated decay, it is expected to create a truncated protein product or disrupt mRNA translation. A similar deletion of exons 31-42 (also known as exons 30-41 in the literature) has been reported in individuals affected with tuberous sclerosis complex (PMID: 17287951). Many different truncations downstream of this variant have been reported to be pathogenic, including a frameshift variant, c.5405_5408dup (p.Phe1803Leufs*42), that has been reported as a disease-causing de novo variant in an individual affected with tuberous sclerosis complex (PMID: 24789117). This suggests that deletion of this region of the TSC2 protein is causative of disease. For these reasons, this variant has been classified as Pathogenic.

Literature cited by the submitters: PubMed 17287951; PubMed 24789117.